The following is an entry in ClinVar:

NM_030665.4(RAI1):c.5717C>T (p.Pro1906Leu)

Gene: RAI1 (retinoic acid induced 1; plus strand). Cytogenetic location: 17p11.2.
Variant type: single nucleotide variant.
Coding change: c.5717C>T on transcript NM_030665.4 (MANE Select); coding-DNA position 5717, C replaced by T.
Protein change: p.Pro1906Leu; replaces proline 1906 with leucine.
Molecular consequence: missense variant.
Genome position (GRCh38, 1-based): chr17:17,809,977, C>T. VCF-style: chr17-17809977-C-T. GRCh37 (hg19) VCF-style: chr17-17713291-C-T.
Other names: c.5717C>T (NM_030665.3); short protein forms P1906L.
Identifiers: ClinVar variation 1600293 (VCV001600293.12), dbSNP rs754508586, ClinGen allele CA8419301.
Genomic context (GRCh38, chr17:17,809,977, plus strand): 5'-TGGACTGTGAAGTCCGAGGTCGTCGGTAACTGGCGGGCGGGCGTCTTTTGCAGAGGCTGC[C>T]GTAGTAATCCACCCCAACGGCCGGAGGAGCCGCCGGAGCCCGCCTGCCCGCCCGCCGCCG-3'
Protein context (NP_109590.3, residues 1896-1906): SLKCPKHKRL[Pro1906Leu]

ClinVar aggregate classification (germline): Benign/Likely benign. Review status: criteria provided, multiple submitters, no conflicts (2 of 4 stars). 3 submissions from 3 submitters: Benign (1); Likely benign (2). Last evaluated 2026-09-16.

Conditions:
RAI1-related disorder. Also called: RAI1-related condition.
Inborn genetic diseases. Identifiers: MedGen C0950123, MeSH D030342.

Allele frequency attached by ClinVar (database versions not stated): gnomAD exomes 0.00005 and 0.00012; gnomAD 0.00006; TOPMed 0.00006.
gnomAD v4.1: 169 of 1,552,404 alleles (0.011%); highest among the groups gnomAD compares: Non-Finnish European, 0.014%; no homozygotes.

Submissions (3):

PreventionGenetics, part of Exact Sciences
Classification: Likely benign for RAI1-related condition. Last evaluated: 2026-09-16. Review status: criteria provided, single submitter. Criteria: ACMG Guidelines, 2015. Collection method: clinical testing. Allele origin: germline.
Comment: This variant is classified as likely benign based on ACMG/AMP sequence variant interpretation guidelines (Richards et al. 2015 PMID: 25741868, with internal and published modifications).

Labcorp Genetics (formerly Invitae), Labcorp
Classification: Benign. Last evaluated: 2025-04-11. Review status: criteria provided, single submitter. Criteria: Invitae Variant Classification Sherloc (09022015). Collection method: clinical testing. Allele origin: germline.

Ambry Genetics
Classification: Likely benign for Inborn genetic diseases. Last evaluated: 2025-02-08. Review status: criteria provided, single submitter. Criteria: Ambry Variant Classification Scheme 2023. Collection method: clinical testing. Allele origin: germline.